The following is an entry in ClinVar:

NM_001105206.3(LAMA4):c.2614C>G (p.Pro872Ala)

Gene: LAMA4 (laminin subunit alpha 4; minus strand). Cytogenetic location: 6q21.
Variant type: single nucleotide variant.
Coding change: c.2614C>G on transcript NM_001105206.3 (MANE Select); coding-DNA position 2614, C replaced by G.
Protein change: p.Pro872Ala; replaces proline 872 with alanine.
Molecular consequence: missense variant.
Genome position (GRCh38, 1-based): chr6:112,142,172, G>C on the plus strand (C>G on the coding strand, the complement: LAMA4 is on the minus strand). VCF-style: chr6-112142172-G-C. GRCh37 (hg19) VCF-style: chr6-112463374-G-C.
Other names: c.2593C>G (LRG_433t2); c.2593C>G, p.Pro865Ala (NM_001105207.3, NM_002290.5); short protein forms P865A, P872A.
Identifiers: ClinVar variation 180391 (VCV000180391.12), dbSNP rs180931319, ClinGen allele CA237267.

ClinVar aggregate classification (germline): Conflicting classifications of pathogenicity. Review status: criteria provided, conflicting classifications (1 of 4 stars). 4 submissions from 4 submitters: Uncertain significance (2); Likely benign (2). Last evaluated 2025-12-08.

Conditions:
Cardiovascular phenotype. Identifiers: MedGen CN230736.
Dilated cardiomyopathy 1JJ (CMD1JJ). Identifiers: Orphanet 154, MedGen C3808935, MONDO:0014095, OMIM 615235.

Allele frequency attached by ClinVar (database versions not stated): TOPMed 0.00002; 1000 Genomes Project 30x 0.00016; 1000 Genomes Project 0.00020; gnomAD 0.00027 and 0.00028.
gnomAD v4.1: 261 of 1,614,100 alleles (0.016%); highest among the groups gnomAD compares: Non-Finnish European, 0.0077%; 1 homozygote.

Submissions (4):

Labcorp Genetics (formerly Invitae), Labcorp
Classification: Likely benign for Dilated cardiomyopathy 1JJ. Last evaluated: 2025-12-08. Review status: criteria provided, single submitter. Criteria: Invitae Variant Classification Sherloc (09022015). Collection method: clinical testing. Allele origin: germline.

Ambry Genetics
Classification: Likely benign for Cardiovascular phenotype. Last evaluated: 2025-10-10. Review status: criteria provided, single submitter. Criteria: Ambry Variant Classification Scheme 2023. Collection method: clinical testing. Allele origin: germline.

Blueprint Genetics
Classification: Uncertain significance. Last evaluated: 2024-08-05. Review status: criteria provided, single submitter. Criteria: ACMG Guidelines, 2015. Collection method: clinical testing. Allele origin: germline.

Biesecker Lab/Clinical Genomics Section, National Institutes of Health
Classification: Uncertain significance. Last evaluated: 2013-06-24. Review status: criteria provided, single submitter. Criteria: Ng et al. (Circ Cardiovasc Genet. 2013). Collection method: research. Allele origin: unknown. Observed: 1 variant allele. Study: ClinSeq.
Comment: The study set was not selected for affection status in relation to any cancer. Pathogenicity categories were based on literature curation. See Pubmed ID:23861362 for details.

Medical sequencing

Literature cited by the submitters: PubMed 23861362 (cited by Ambry Genetics).